The following is an entry in ClinVar:

ClinVar aggregate classification (germline): Benign. Review status: criteria provided, multiple submitters, no conflicts (2 of 4 stars). 6 submissions from 6 submitters: Benign (5). 1 of the submissions does not count toward it. Last evaluated 2026-02-03.

Conditions:
Cardiomyopathy-hypotonia-lactic acidosis syndrome (MPCD). Identifiers: Orphanet 91130, MedGen C1835845, MONDO:0012557, OMIM 610773.

Allele frequency attached by ClinVar (database versions not stated): gnomAD exomes 0.00334 and 0.00837; ExAC 0.00986; 1000 Genomes Project 0.02656; 1000 Genomes Project 30x 0.02717; gnomAD 0.02958 and 0.03180; TOPMed 0.03372; ESP Exome Variant Server 0.03698.

Submissions (6):

Labcorp Genetics (formerly Invitae), Labcorp
Classification: Benign. Last evaluated: 2026-02-03. Review status: criteria provided, single submitter. Criteria: Invitae Variant Classification Sherloc (09022015). Collection method: clinical testing. Allele origin: germline.

Illumina Laboratory Services, Illumina
Classification: Benign for Cardiomyopathy-hypotonia-lactic acidosis syndrome. Last evaluated: 2018-01-12. Review status: criteria provided, single submitter. Criteria: ICSL Variant Classification Criteria 13 December 2019. Collection method: clinical testing. Allele origin: germline.
Comment: This variant was observed in the ICSL laboratory as part of a predisposition screen in an ostensibly healthy population. It had not been previously curated by ICSL or reported in the Human Gene Mutation Database (HGMD: prior to June 1st, 2018), and was therefore a candidate for classification through an automated scoring system. Utilizing variant allele frequency, disease prevalence and penetrance estimates, and inheritance mode, an automated score was calculated to assess if this variant is too frequent to cause the disease. Based on the score and internal cut-off values, a variant classified as benign is not then subjected to further curation. The score for this variant resulted in a classification of benign for this disease.

GeneDx
Classification: Benign. Last evaluated: 2012-07-06. Review status: criteria provided, single submitter. Criteria: GeneDx Variant Classification (06012015). Collection method: clinical testing. Allele origin: germline. Affected: yes.
Comment: This variant is considered likely benign or benign based on one or more of the following criteria: it is a conservative change, it occurs at a poorly conserved position in the protein, it is predicted to be benign by multiple in silico algorithms, and/or has population frequency not consistent with disease.

Breakthrough Genomics
Classification: Benign. Review status: criteria provided, single submitter. Criteria: ACMG Guidelines, 2015. Collection method: not provided. Allele origin: germline. Inheritance: Autosomal recessive inheritance. Affected: yes.

PreventionGenetics, part of Exact Sciences
Classification: Benign. Review status: criteria provided, single submitter. Criteria: ACMG Guidelines, 2015. Collection method: clinical testing. Allele origin: germline.

Mayo Clinic Laboratories, Mayo Clinic
Classification: Benign. Last evaluated: 2017-09-15. Review status: no assertion criteria provided. Collection method: clinical testing. Allele origin: unknown. Not counted in ClinVar's aggregate classification.

NM_002635.4(SLC25A3):c.436T>C (p.Leu146=)

Gene: SLC25A3 (solute carrier family 25 member 3; plus strand). Cytogenetic location: 12q23.1.
Variant type: single nucleotide variant.
Coding change: c.436T>C on transcript NM_002635.4 (MANE Select); coding-DNA position 436, T replaced by C.
Protein change: p.Leu146=; no amino-acid change (leucine 146 retained).
Molecular consequence: synonymous variant.
Genome position (GRCh38, 1-based): chr12:98,598,012, T>C. VCF-style: chr12-98598012-T-C. GRCh37 (hg19) VCF-style: chr12-98991790-T-C.
Other names: p.L147L:TTG>CTG; c.439T>C, p.Leu147= (NM_005888.4); c.436T>C, p.Leu146= (NM_213611.3).
Identifiers: ClinVar variation 139148 (VCV000139148.23), dbSNP rs11544648, ClinGen allele CA293531.